The following is an entry in ClinVar:

NM_000238.4(KCNH2):c.1655T>C (p.Leu552Ser)

Gene: KCNH2 (potassium voltage-gated channel subfamily H member 2; minus strand). Cytogenetic location: 7q36.1.
Variant type: single nucleotide variant.
Coding change: c.1655T>C on transcript NM_000238.4 (MANE Select); coding-DNA position 1655, T replaced by C.
Protein change: p.Leu552Ser; replaces leucine 552 with serine.
Molecular consequence: missense variant.
Genome position (GRCh38, 1-based): chr7:150,951,738, A>G on the plus strand (T>C on the coding strand, the complement: KCNH2 is on the minus strand). VCF-style: chr7-150951738-A-G. GRCh37 (hg19) VCF-style: chr7-150648826-A-G.
Other names: p.L552S:TTG>TCG; c.1655T>C (LRG_288t1); c.635T>C, p.Leu212Ser (NM_001204798.2, NM_172057.3); c.1367T>C, p.Leu456Ser (NM_001406753.1, NM_001406756.1); c.1478T>C, p.Leu493Ser (NM_001406755.1); c.1355T>C, p.Leu452Ser (NM_001406757.1); c.1655T>C, p.Leu552Ser (NM_172056.3); short protein forms L212S, L552S, L456S, L452S, L493S.
Identifiers: ClinVar variation 67225 (VCV000067225.29), dbSNP rs199472918, ClinGen allele CA004960.
Genomic context (GRCh38, chr7:150,951,738, plus strand): 5'-CCGATGGCGTACCAGATGCAGGCTAGCCAGTGCGCGATGAGCGCAAAGGTGCACATGAGC[A>G]AGAACAGCACGGCCGCGCCGTACTCTGAGTAGCGATCCAGCTTCCGCGCCACGCGCACCA-3'
Protein context (NP_000229.1, residues 542-562): YSEYGAAVLF[Leu552Ser]LMCTFALIAH

ClinVar aggregate classification (germline): Pathogenic. Review status: criteria provided, multiple submitters, no conflicts (2 of 4 stars). 11 submissions from 11 submitters: Pathogenic (10). 1 of the submissions does not count toward it. Last evaluated 2026-02-03.

Conditions:
KCNH2-related disorder. Also called: KCNH2-related disorders; KCNH2-related condition.
Cardiovascular phenotype. Identifiers: MedGen CN230736.
Cardiac arrhythmia. Also called: Arrhythmia; Cardiac rhythm disease. Identifiers: MedGen C0003811, MONDO:0007263, HP:0011675.
Familial long QT syndrome (RWS). Also called: Congenital long QT syndrome; Romano-Ward syndrome; VENTRICULAR FIBRILLATION WITH PROLONGED QT INTERVAL. Identifiers: Orphanet 768, MedGen C1141890, MONDO:0019171.
Long QT syndrome (LQTS). Identifiers: MedGen C0023976, MeSH D008133, MONDO:0002442. Disease mechanism: loss of function. Inheritance: Various modes of inheritance.
Long QT syndrome 2 (LQT2). Identifiers: Orphanet 101016, Orphanet 768, MedGen C3150943, MONDO:0013367, OMIM 613688.

Allele frequency attached by ClinVar (database versions not stated): ExAC 0.00004; gnomAD exomes 0.00007 and 0.00006; 1000 Genomes Project 0.00020; gnomAD 0.00005 and 0.00006; 1000 Genomes Project 30x 0.00016.

Submissions 1 to 7 of 11:

Labcorp Genetics (formerly Invitae), Labcorp
Classification: Pathogenic for Long QT syndrome. Last evaluated: 2026-02-03. Review status: criteria provided, single submitter. Criteria: Invitae Variant Classification Sherloc (09022015). Collection method: clinical testing. Allele origin: germline.
Comment: This sequence change replaces leucine, which is neutral and non-polar, with serine, which is neutral and polar, at codon 552 of the KCNH2 protein (p.Leu552Ser). This variant is present in population databases (rs199472918, gnomAD 0.07%), and has an allele count higher than expected for a pathogenic variant. This missense change has been observed in individuals with Long QT syndrome in a single family with two affected neonatal homozygotes and long QT syndrome (PMID: 10841244, 10973849, 21244686, 22949429). It has also been observed to segregate with disease in related individuals. ClinVar contains an entry for this variant (Variation ID: 67225). An algorithm developed to predict the effect of missense changes on protein structure and function (PolyPhen-2) suggests that this variant is likely to be disruptive. Experimental studies have shown that this missense change affects KCNH2 function (PMID: 10841244, 25417810). For these reasons, this variant has been classified as Pathogenic.

Women's Health and Genetics/Laboratory Corporation of America, LabCorp
Classification: Pathogenic for Long QT syndrome. Last evaluated: 2025-09-22. Review status: criteria provided, single submitter. Criteria: LabCorp Variant Classification Summary - May 2015. Collection method: clinical testing. Allele origin: germline.
Comment: Variant summary: KCNH2 c.1655T>C (p.Leu552Ser) results in a non-conservative amino acid change in the encoded protein sequence. Algorithms developed to predict the effect of missense changes on protein structure and function all suggest that this variant is likely to be disruptive. The variant allele was found at a frequency of 7.2e-05 in 251098 control chromosomes. This frequency is not significantly higher than estimated for disease-causing variants in KCNH2, allowing no conclusion about variant significance. c.1655T>C is considered a founder mutation in the Finnish population and has been observed in multiple individuals affected with Long QT Syndrome in heterozygous and homozygous state with a more severe phenotype (example: Piippo_2000). It has also been observed to segregate with disease in related individuals. These data indicate that the variant is very likely to be associated with disease. Experimental studies have shown that this variant changes normal function of the protein (example: Piippo_2000). The following publication has been ascertained in the context of this evaluation (PMID: 10841244 ). ClinVar contains an entry for this variant (Variation ID: 67225). Based on the evidence outlined above, the variant was classified as pathogenic.

Ambry Genetics
Classification: Pathogenic for Cardiovascular phenotype. Last evaluated: 2025-06-23. Review status: criteria provided, single submitter. Criteria: Ambry Variant Classification Scheme 2023. Collection method: clinical testing. Allele origin: germline.
Comment: The p.L552S pathogenic mutation (also known as c.1655T>C), located in coding exon 7 of the KCNH2 gene, results from a T to C substitution at nucleotide position 1655. The leucine at codon 552 is replaced by serine, an amino acid with dissimilar properties. This alteration has been reported to segregate with disease in multiple families with long QT syndrome (LQTS) type 2 and is considered a founder mutation in the Finnish population (Piippo K. et al. 2000 J Am Col Card 35(7) 1919-1925; Fodstad H. et al 2004 Ann Med 36:53-673; Marjamaa A. et al. 2009 Ann Med 41(3):234-240). Two Finnish sisters with more severe LQTS phenotypes were homozygous for p.L552S (Piippo K. et al 2000 J Am Col Card 35(7) 1919-1925). Immunoblot and electrophysiological data along with computational structural models suggest that p.L552S is a protein trafficking deficient mutation (Anderson CL et al. 2014 Nat Commun 5:5535). Based on the supporting evidence, p.L552S is interpreted as a disease-causing mutation.

Color Diagnostics, LLC DBA Color Health
Classification: Pathogenic for Cardiac arrhythmia. Last evaluated: 2025-03-17. Review status: criteria provided, single submitter. Criteria: ACMG Guidelines, 2015. Collection method: clinical testing. Allele origin: germline.
Comment: This missense variant replaces leucine with serine at codon 552 of the KCNH2 protein. This variant is found within the highly conserved transmembrane S5 domain (aa 548-568). Rare nontruncating variants in this region have been shown to be significantly overrepresented in individuals with long QT syndrome (PMID: 32893267). Functional studies have shown that this variant causes KCNH2 protein trafficking deficiency and impairs potassium channel function (PMID: 10841244, 25417810, 32392813). This variant has been described as a founder mutation in the Finnish population, designated as HERG-Fin (PMID: 10841244). It has been reported in 11 Finnish families affected with long QT syndrome (PMID: 10483966, 10841244, 15176425). In these families, 38% of the 90 carriers showed symptoms (PMID: 15176425) and 2 homozygous siblings showed severe phenotypes (PMID: 10841244). The mean QTc interval differed significantly between carriers and non-carriers (p<0.001) (PMID: 10841244). This variant has also been reported in 7 individuals from other populations, who were affected with long QT syndrome (PMID: 10973849, 11854117, Color internal data) or suspected of having long QT syndrome (PMID: 15840476). This variant has been identified in 20/282492 chromosomes (19/25098 Finnish European chromosomes) in the general population by the Genome Aggregation Database (gnomAD). Based on the available evidence, this variant is classified as Pathogenic.

Blueprint Genetics
Classification: Pathogenic for KCNH2-related disorders. Last evaluated: 2024-10-24. Review status: criteria provided, single submitter. Criteria: ACMG Guidelines, 2015. Collection method: clinical testing. Allele origin: germline. Affected: yes. Observed: 5 variant alleles.

All of Us Research Program, National Institutes of Health
Classification: Pathogenic for Long QT syndrome. Last evaluated: 2024-01-08. Review status: criteria provided, single submitter. Criteria: ACMG Guidelines, 2015. Collection method: clinical testing. Allele origin: germline. Inheritance: Autosomal dominant inheritance. Observed: 4 variant alleles, 4 heterozygotes.
Comment: This missense variant replaces leucine with serine at codon 552 of the KCNH2 protein. This variant is found within the highly conserved transmembrane S5 domain (aa 548-568). Rare nontruncating variants in this region have been shown to be significantly overrepresented in individuals with long QT syndrome (PMID: 32893267). Functional studies have shown that this variant causes KCNH2 protein trafficking deficiency and impairs potassium channel function (PMID: 10841244, 25417810, 32392813). This variant has been described as a founder mutation in the Finnish population, designated as HERG-Fin (PMID: 10841244). It has been reported in 11 Finnish families affected with long QT syndrome (PMID: 10483966, 10841244, 15176425). In these families, 38% of the 90 carriers showed symptoms (PMID: 15176425) and 2 homozygous siblings showed severe phenotypes (PMID: 10841244). The mean QTc interval differed significantly between carriers and non-carriers (p<0.001) (PMID: 10841244). This variant has also been reported in 7 individuals from other populations, who were affected with long QT syndrome (PMID: 10973849, 11854117, Color internal data) or suspected of having long QT syndrome (PMID: 15840476). This variant has been identified in 20/282492 chromosomes (19/25098 Finnish European chromosomes) in the general population by the Genome Aggregation Database (gnomAD). Based on the available evidence, this variant is classified as Pathogenic.

This study involves interpretation of variants in research participants for the purpose of population health screening. Participant phenotype was not available at the time of variant classification. Additional details can be found in publication PMID: 35346344, PMCID: PMC8962531

GeneDx
Classification: Pathogenic. Last evaluated: 2023-09-29. Review status: criteria provided, single submitter. Criteria: GeneDx Variant Classification Process June 2021. Collection method: clinical testing. Allele origin: germline. Affected: yes.
Comment: Published functional studies show p.(L552S) disrupts trafficking and increases the activation and deactivation rates of the potassium channel (Piippo et al., 2000; Anderson et al., 2014); In silico analysis supports that this missense variant has a deleterious effect on protein structure/function; This variant is associated with the following publications: (PMID: 19716085, 26332594, 10483966, 23098067, 15176425, 25417810, 19841300, 11854117, 15840476, 12477631, 26063740, 23651034, 19160088, 10973849, 22949429, 21244686, 29622001, 10841244, 31447099)